The following is an entry in ClinVar:

ClinVar aggregate classification (germline): Uncertain significance (1 of 4 stars; one submission).

Conditions:
Tyrosinase-positive oculocutaneous albinism (OCA2). Also called: ALBINISM II; Oculocutaneous albinism type 2; Albinism, oculocutaneous, type II. Identifiers: Orphanet 79432, MedGen C0268495, MONDO:0008746, OMIM 203200.

Submission:

Juno Genomics, Hangzhou Juno Genomics, Inc
Classification: Uncertain significance for Tyrosinase-positive oculocutaneous albinism. Review status: criteria provided, single submitter. Criteria: ACMG Guidelines, 2015. Collection method: clinical testing. Allele origin: germline.
Comment: Absent from controls (or at extremely low frequency if recessive) in Genome Aggregation Database.;Multiple lines of computational evidence support a deleterious effect on the gene or gene product.

NM_000275.3(OCA2):c.1325A>G (p.Asn442Ser)

Gene: OCA2 (OCA2 melanosomal transmembrane protein; minus strand). Cytogenetic location: 15q13.1.
Variant type: single nucleotide variant.
Coding change: c.1325A>G on transcript NM_000275.3 (MANE Select); coding-DNA position 1325, A replaced by G.
Protein change: p.Asn442Ser; replaces asparagine 442 with serine.
Molecular consequence: missense variant.
Genome position (GRCh38, 1-based): chr15:27,985,103, T>C on the plus strand (A>G on the coding strand, the complement: OCA2 is on the minus strand). VCF-style: chr15-27985103-T-C. GRCh37 (hg19) VCF-style: chr15-28230249-T-C.
Other names: c.1253A>G, p.Asn418Ser (NM_001300984.2); short protein forms N418S, N442S.
Identifiers: ClinVar variation 5005375 (VCV005005375.2).